The following is an entry in ClinVar:

ClinVar aggregate classification (germline): Pathogenic (1 of 4 stars; one submission).

Conditions:
Developmental and epileptic encephalopathy, 11 (DEE11). Also called: Early infantile epileptic encephalopathy 11. Identifiers: Orphanet 1934, MedGen C3150987, MONDO:0013388, OMIM 613721.
Seizures, benign familial infantile, 3 (BFIS3). Also called: CONVULSIONS, BENIGN FAMILIAL INFANTILE, 3; Familial neonatal seizures. Identifiers: Orphanet 140927, Orphanet 306, MedGen C1843140, MONDO:0011904, OMIM 607745.

Submission:

Labcorp Genetics (formerly Invitae), Labcorp
Classification: Pathogenic for Seizures, benign familial infantile, 3; Developmental and epileptic encephalopathy, 11. Last evaluated: 2019-10-10. Review status: criteria provided, single submitter. Criteria: Invitae Variant Classification Sherloc (09022015). Collection method: clinical testing. Allele origin: germline.
Comment: This sequence change creates a premature translational stop signal (p.Cys912Phefs*25) in the SCN2A gene. It is expected to result in an absent or disrupted protein product. This variant is not present in population databases (ExAC no frequency). This variant has not been reported in the literature in individuals with SCN2A-related conditions. Loss-of-function variants in SCN2A are known to be pathogenic (PMID: 22495306, 23020937, 24650168). For these reasons, this variant has been classified as Pathogenic.

Literature cited by the submitters: PubMed 22495306; PubMed 23020937; PubMed 24650168.

NM_001040142.2(SCN2A):c.2734_2735insTTGTGTCT (p.Cys912fs)

Gene: SCN2A (sodium voltage-gated channel alpha subunit 2; plus strand). Cytogenetic location: 2q24.3.
Variant type: Microsatellite.
Coding change: c.2734_2735insTTGTGTCT on transcript NM_001040142.2 (MANE Select); coding-DNA positions 2734 to 2735, TTGTGTCT inserted.
Protein change: p.Cys912fs; shifts the reading frame from cysteine 912.
Molecular consequence: frameshift variant.
Genome position: GRCh38 VCF-style: chr2-165344719-A-ATGTGTCTT. GRCh37 (hg19) VCF-style: chr2-166201229-A-ATGTGTCTT.
Other names: c.2734_2735insTTGTGTCT, p.Cys912fs (NM_001040143.2, NM_001371246.1, NM_001371247.1 and 1 more transcripts); short protein forms C912fs.
Identifiers: ClinVar variation 965048 (VCV000965048.3), dbSNP rs1699481130.